The following is an entry in ClinVar:

NM_001042432.2(CLN3):c.533+1G>A

Gene: CLN3 (CLN3 lysosomal/endosomal transmembrane protein, battenin; minus strand). Cytogenetic location: 16p12.1.
Variant type: single nucleotide variant.
Coding change: c.533+1G>A on transcript NM_001042432.2 (MANE Select); the canonical splice donor site of the intron after coding-DNA position 533, G replaced by A.
Molecular consequence: splice donor variant.
Genome position (GRCh38, 1-based): chr16:28,486,577, C>T on the plus strand (G>A on the coding strand, the complement: CLN3 is on the minus strand). VCF-style: chr16-28486577-C-T. GRCh37 (hg19) VCF-style: chr16-28497898-C-T.
Other names: c.299+1G>A (NM_001286109.2); c.461+1G>A (NM_001286104.2); c.233+1G>A (NM_001286105.2); c.371+1G>A (NM_001286110.2); c.533+1G>A (NM_000086.2).
Identifiers: ClinVar variation 56278 (VCV000056278.5), dbSNP rs386833728, ClinGen allele CA263700.

ClinVar aggregate classification (germline): Likely pathogenic. Review status: criteria provided, multiple submitters, no conflicts (2 of 4 stars). 3 submissions from 3 submitters: Likely pathogenic (2). 1 of the submissions does not count toward it. Last evaluated 2026-09-18.

Conditions:
CLN3-related disorder. Also called: CLN3-related condition. Identifiers: MedGen CN382248.
CLN3-related disorders.
Neuronal ceroid lipofuscinosis 3 (CLN3). Identifiers: Orphanet 228346, MedGen C0751383, MONDO:0008767, OMIM 204200.

Submissions (3):

PreventionGenetics, part of Exact Sciences
Classification: Likely pathogenic for CLN3-related condition. Last evaluated: 2026-09-18. Review status: criteria provided, single submitter. Criteria: ACMG Guidelines, 2015. Collection method: clinical testing. Allele origin: germline.
Comment: The CLN3 c.533+1G>A variant is predicted to disrupt the GT donor site and interfere with normal splicing. This variant has not been reported in a large population database (gnomAD) or in the literature, indicating this variant is rare. Variants that disrupt the consensus splice donor site in CLN3 are expected to be pathogenic. Another variant at the same splice site, c.533+1G>C, has been reported along with a second CLN3 variant in an individual with Batten disease (referred to as G>C affecting bases 598-670 of cDNA in Patient L198Pa, IBDC et al. 1995. PubMed ID: 7553855). This c.533+1G>A variant is interpreted as likely pathogenic.

Blueprint Genetics
Classification: Likely pathogenic for CLN3-related disorders. Last evaluated: 2021-07-13. Review status: criteria provided, single submitter. Criteria: ACMG Guidelines, 2015. Collection method: clinical testing. Allele origin: germline. Affected: yes. Observed: 3 variant alleles.

Juha Muilu Group; Institute for Molecular Medicine Finland (FIMM)
Classification: Likely pathogenic for Juvenile neuronal ceroid lipofuscinosis. Review status: no assertion criteria provided. Collection method: not provided. Allele origin: unknown. Not counted in ClinVar's aggregate classification.
Comment: FinDis database variant: This variant was not found or characterized by our laboratory, data were collected from public sources: see reference
ClinVar note: Converted during submission from probable-pathogenic to Likely pathogenic.